The following is an entry in ClinVar:

NM_031935.3(HMCN1):c.7488T>G (p.Ser2496Arg)

Gene: HMCN1 (hemicentin 1; plus strand). Cytogenetic location: 1q31.1.
Variant type: single nucleotide variant.
Coding change: c.7488T>G on transcript NM_031935.3 (MANE Select); coding-DNA position 7488, T replaced by G.
Protein change: p.Ser2496Arg; replaces serine 2496 with arginine.
Molecular consequence: missense variant.
Genome position (GRCh38, 1-based): chr1:186,062,575, T>G. VCF-style: chr1-186062575-T-G. GRCh37 (hg19) VCF-style: chr1-186031707-T-G.
Other names: c.7488T>G (NM_031935.2); short protein forms S2496R.
Identifiers: ClinVar variation 2896054 (VCV002896054.4), dbSNP rs140163818, ClinGen allele CA1292848.

ClinVar aggregate classification (germline): Uncertain significance. Review status: criteria provided, multiple submitters, no conflicts (2 of 4 stars). 2 submissions from 2 submitters: Uncertain significance (2). Last evaluated 2025-11-03.

Allele frequency attached by ClinVar (database versions not stated): gnomAD 0.00001; ESP Exome Variant Server 0.00008; TOPMed below 0.00001; ExAC 0.00003.
gnomAD v4.1: 19 of 1,612,328 alleles (0.0012%); highest among the groups gnomAD compares: South Asian, 0.016%; no homozygotes.

Submissions (2):

Ambry Genetics
Classification: Uncertain significance. Last evaluated: 2025-11-03. Review status: criteria provided, single submitter. Criteria: Ambry Variant Classification Scheme 2023. Collection method: clinical testing. Allele origin: germline.

Labcorp Genetics (formerly Invitae), Labcorp
Classification: Uncertain significance. Last evaluated: 2025-09-10. Review status: criteria provided, single submitter. Criteria: Invitae Variant Classification Sherloc (09022015). Collection method: clinical testing. Allele origin: germline.
Comment: This sequence change replaces serine, which is neutral and polar, with arginine, which is basic and polar, at codon 2496 of the HMCN1 protein (p.Ser2496Arg). This variant is present in population databases (rs140163818, gnomAD 0.01%). This variant has not been reported in the literature in individuals affected with HMCN1-related conditions. ClinVar contains an entry for this variant (Variation ID: 2896054). An algorithm developed to predict the effect of missense changes on protein structure and function (PolyPhen-2) suggests that this variant is likely to be disruptive. In summary, the available evidence is currently insufficient to determine the role of this variant in disease. Therefore, it has been classified as a Variant of Uncertain Significance.